The following is an entry in ClinVar:

NM_000551.4(VHL):c.356T>G (p.Phe119Cys)

Genes: VHL (von Hippel-Lindau tumor suppressor; plus strand), LOC107303340 (3p25 von Hippel-Lindau tumor suppressor, E3 ubiquitin protein ligase Alu-mediated recombination region; plus strand). Cytogenetic location: 3p25.3.
Variant type: single nucleotide variant.
Coding change: c.356T>G on transcript NM_000551.4 (MANE Select); coding-DNA position 356, T replaced by G.
Protein change: p.Phe119Cys; replaces phenylalanine 119 with cysteine.
Molecular consequence: missense variant. On other transcripts: intron variant (2).
Genome position (GRCh38, 1-based): chr3:10,146,529, T>G. VCF-style: chr3-10146529-T-G. GRCh37 (hg19) VCF-style: chr3-10188213-T-G.
Other names: c.*18-3258T>G (NM_001354723.2); c.341-3258T>G (NM_198156.3); short protein forms F119C.
Identifiers: ClinVar variation 1388850 (VCV001388850.6), dbSNP rs2125128254, ClinGen allele CA351753721.

ClinVar aggregate classification (germline): Uncertain significance (1 of 4 stars; one submission).

Conditions:
Chuvash polycythemia. Also called: POLYCYTHEMIA, VHL-DEPENDENT. Identifiers: Orphanet 238557, MedGen C1837915, MONDO:0009892, OMIM 263400.
Von Hippel-Lindau syndrome (VHLS). Also called: VHL syndrome; von Hippel–Lindau syndrome; Von Hippel-Lindau. Identifiers: Orphanet 892, MedGen C0019562, MONDO:0008667, OMIM 193300. Disease mechanism: loss of function.

Submission:

Labcorp Genetics (formerly Invitae), Labcorp
Classification: Uncertain significance for Von Hippel-Lindau syndrome; Chuvash polycythemia. Last evaluated: 2021-08-17. Review status: criteria provided, single submitter. Criteria: Invitae Variant Classification Sherloc (09022015). Collection method: clinical testing. Allele origin: germline.
Comment: In summary, the available evidence is currently insufficient to determine the role of this variant in disease. Therefore, it has been classified as a Variant of Uncertain Significance. This variant disrupts the p.Phe119 amino acid residue in VHL. Other variant(s) that disrupt this residue have been determined to be pathogenic (PMID: 7728151, 19270817, 21715564, 23840444). This suggests that this residue is clinically significant, and that variants that disrupt this residue are likely to be disease-causing. Advanced modeling of protein sequence and biophysical properties (such as structural, functional, and spatial information, amino acid conservation, physicochemical variation, residue mobility, and thermodynamic stability) performed at Invitae indicates that this missense variant is expected to disrupt VHL protein function. This variant has not been reported in the literature in individuals affected with VHL-related conditions. This variant is not present in population databases (ExAC no frequency). This sequence change replaces phenylalanine with cysteine at codon 119 of the VHL protein (p.Phe119Cys). The phenylalanine residue is highly conserved and there is a large physicochemical difference between phenylalanine and cysteine.

Literature cited by the submitters: PubMed 7728151; PubMed 19270817; PubMed 21715564; PubMed 23840444.